The following is an entry in ClinVar:

NM_003283.6(TNNT1):c.788A>G (p.Lys263Arg)

Gene: TNNT1 (troponin T1, slow skeletal type; minus strand). Cytogenetic location: 19q13.42.
Variant type: single nucleotide variant.
Coding change: c.788A>G on transcript NM_003283.6 (MANE Select); coding-DNA position 788, A replaced by G.
Protein change: p.Lys263Arg; replaces lysine 263 with arginine.
Molecular consequence: missense variant.
Genome position (GRCh38, 1-based): chr19:55,133,890, T>C on the plus strand (A>G on the coding strand, the complement: TNNT1 is on the minus strand). VCF-style: chr19-55133890-T-C. GRCh37 (hg19) VCF-style: chr19-55645258-T-C.
Other names: c.740A>G, p.Lys247Arg (NM_001126132.3); c.707A>G, p.Lys236Arg (NM_001126133.3, NM_001291774.2); short protein forms K263R, K247R, K236R.
Identifiers: ClinVar variation 534400 (VCV000534400.9), dbSNP rs377276702, ClinGen allele CA9667263.

ClinVar aggregate classification (germline): Uncertain significance (1 of 4 stars; one submission).

Conditions:
Nemaline myopathy 5 (NEM5A). Also called: NEMALINE MYOPATHY, AMISH TYPE; NEMALINE MYOPATHY 5A, AUTOSOMAL RECESSIVE, SEVERE INFANTILE; Nemaline myopathy 5, Amish type. Identifiers: Orphanet 98902, MedGen C1854380, MONDO:0011539, OMIM 605355.

Allele frequency attached by ClinVar (database versions not stated): gnomAD 0.00001; gnomAD exomes 0.00001 and 0.00002; TOPMed 0.00001; ExAC 0.00002; ESP Exome Variant Server 0.00008.
gnomAD v4.1: 24 of 1,613,692 alleles (0.0015%); highest among the groups gnomAD compares: Non-Finnish European, 0.0019%; no homozygotes.

Submission:

Labcorp Genetics (formerly Invitae), Labcorp
Classification: Uncertain significance for Nemaline myopathy 5. Last evaluated: 2026-01-19. Review status: criteria provided, single submitter. Criteria: Invitae Variant Classification Sherloc (09022015). Collection method: clinical testing. Allele origin: germline.
Comment: This sequence change replaces lysine, which is basic and polar, with arginine, which is basic and polar, at codon 263 of the TNNT1 protein (p.Lys263Arg). This variant is present in population databases (rs377276702, gnomAD 0.007%). This variant has not been reported in the literature in individuals affected with TNNT1-related conditions. ClinVar contains an entry for this variant (Variation ID: 534400). Invitae Evidence Modeling of protein sequence and biophysical properties (such as structural, functional, and spatial information, amino acid conservation, physicochemical variation, residue mobility, and thermodynamic stability) indicates that this missense variant is not expected to disrupt TNNT1 protein function with a negative predictive value of 80%. Algorithms developed to predict the effect of sequence changes on RNA splicing suggest that this variant may create or strengthen a splice site. In summary, the available evidence is currently insufficient to determine the role of this variant in disease. Therefore, it has been classified as a Variant of Uncertain Significance.